The following is an entry in ClinVar:

NM_002439.5(MSH3):c.1385_1388del (p.Tyr462fs)

Gene: MSH3 (mutS homolog 3; plus strand). Cytogenetic location: 5q14.1.
Variant type: Microsatellite.
Coding change: c.1385_1388del on transcript NM_002439.5 (MANE Select); coding-DNA positions 1385 to 1388, 4 bases deleted (ATTT; older notation c.1385_1388delATTT).
Protein change: p.Tyr462fs; shifts the reading frame from tyrosine 462.
Molecular consequence: frameshift variant.
Genome position (GRCh38, 1-based): chr5:80,725,497-80,725,500, ATTT deleted; deleting any 4 consecutive bases within chr5:80,725,493-80,725,500 gives the same sequence; the c. name uses the placement nearest the transcript's 3' end. VCF-style (leftmost placement, unchanged base first): chr5-80725492-CATTT-C. GRCh37 (hg19) VCF-style: chr5-80021311-CATTT-C.
Other names: short protein forms Y462fs.
Identifiers: ClinVar variation 4727468 (VCV004727468.1).

ClinVar aggregate classification (germline): Pathogenic (1 of 4 stars; one submission).

Submission:

Labcorp Genetics (formerly Invitae), Labcorp
Classification: Pathogenic. Last evaluated: 2025-09-20. Review status: criteria provided, single submitter. Criteria: Invitae Variant Classification Sherloc (09022015). Collection method: clinical testing. Allele origin: germline.
Comment: This sequence change creates a premature translational stop signal (p.Tyr462Leufs*33) in the MSH3 gene. It is expected to result in an absent or disrupted protein product. Loss-of-function variants in MSH3 are known to be pathogenic (PMID: 27476653, 37402566). This variant is not present in population databases (gnomAD no frequency). This variant has not been reported in the literature in individuals affected with MSH3-related conditions. For these reasons, this variant has been classified as Pathogenic.

Literature cited by the submitters: PubMed 27476653; PubMed 37402566.